The following is an entry in ClinVar:

ClinVar aggregate classification (germline): Likely pathogenic (1 of 4 stars; one submission).

Conditions:
SOX10-related disorder. Also called: SOX10-related condition.

Submission:

PreventionGenetics, part of Exact Sciences
Classification: Likely pathogenic for SOX10-related condition. Last evaluated: 2023-04-11. Review status: criteria provided, single submitter. Criteria: ACMG Guidelines, 2015. Collection method: clinical testing. Allele origin: germline.
Comment: The SOX10 c.10dupG variant is predicted to result in a frameshift and premature protein termination (p.Glu4Glyfs*63). To our knowledge, this variant has not been reported in the literature or in a large population database, indicating this variant is rare. This variant is interpreted as likely pathogenic.

NM_006941.4(SOX10):c.10dup (p.Glu4fs)

Genes: POLR2F (RNA polymerase II, I and III subunit F; plus strand), SOX10 (SRY-box transcription factor 10; minus strand). Cytogenetic location: 22q13.1.
Variant type: Duplication.
Coding change: c.10dup on transcript NM_006941.4 (MANE Select); coding-DNA position 10, one base duplicated (G; older notation c.10dupG).
Protein change: p.Glu4fs; shifts the reading frame from glutamic acid 4.
Molecular consequence: frameshift variant. On other transcripts: intron variant (3).
Genome position (GRCh38, 1-based): chr22:37,983,775, C duplicated on the plus strand (G on the coding strand, the reverse complement: SOX10 is on the minus strand); the first of 2 consecutive C bases (chr22:37,983,775-37,983,776); duplicating either gives the same sequence. VCF-style (leftmost placement, unchanged base first): chr22-37983774-T-TC. GRCh37 (hg19) VCF-style: chr22-38379781-T-TC.
Other names: c.10dupG (NM_006941.3); c.*38+11466dup (NM_001363825.1); c.294-2378dup (NM_001301130.2); c.293+16606dup (NM_001301131.2); short protein forms E4fs.
Identifiers: ClinVar variation 2636900 (VCV002636900.1), dbSNP rs2518053088, ClinGen allele CA2695200116.
Genomic context (GRCh38, chr22:37,983,774, plus strand): 5'-GACAGGCAGCGGGGCTCCTCCGAGCCCACGGGGCTCAGCTCCACCTCCGATAGGTCCTGC[T>TC]CCTCCGCCATGTCGCCCCCGGCCGCCGCCGCCGCCGCCTCGGCCGCCTCCCCCGGGCCAG-3'